The following is an entry in ClinVar:

ClinVar aggregate classification (germline): Uncertain significance (1 of 4 stars; one submission).

Allele frequency attached by ClinVar (database versions not stated): gnomAD exomes below 0.00001; ExAC 0.00001; gnomAD 0.00001.
gnomAD v4.1: 3 of 1,613,734 alleles (0.00019%); highest among the groups gnomAD compares: East Asian, 0.0022%; no homozygotes.

Submission:

Labcorp Genetics (formerly Invitae), Labcorp
Classification: Uncertain significance. Last evaluated: 2022-07-19. Review status: criteria provided, single submitter. Criteria: Invitae Variant Classification Sherloc (09022015). Collection method: clinical testing. Allele origin: germline.
Comment: In summary, the available evidence is currently insufficient to determine the role of this variant in disease. Therefore, it has been classified as a Variant of Uncertain Significance. Algorithms developed to predict the effect of missense changes on protein structure and function output the following: SIFT: "Tolerated"; PolyPhen-2: "Benign"; Align-GVGD: "Class C0". The alanine amino acid residue is found in multiple mammalian species, which suggests that this missense change does not adversely affect protein function. ClinVar contains an entry for this variant (Variation ID: 1494592). This variant has not been reported in the literature in individuals affected with REPS1-related conditions. This variant is present in population databases (rs761938645, gnomAD 0.0009%). This sequence change replaces threonine, which is neutral and polar, with alanine, which is neutral and non-polar, at codon 241 of the REPS1 protein (p.Thr241Ala).

NM_001286611.2(REPS1):c.721A>G (p.Thr241Ala)

Gene: REPS1 (RALBP1 associated Eps domain containing 1; minus strand). Cytogenetic location: 6q24.1.
Variant type: single nucleotide variant.
Coding change: c.721A>G on transcript NM_001286611.2 (MANE Select); coding-DNA position 721, A replaced by G.
Protein change: p.Thr241Ala; replaces threonine 241 with alanine.
Molecular consequence: missense variant.
Genome position (GRCh38, 1-based): chr6:138,944,530, T>C on the plus strand (A>G on the coding strand, the complement: REPS1 is on the minus strand). VCF-style: chr6-138944530-T-C. GRCh37 (hg19) VCF-style: chr6-139265667-T-C.
Other names: c.721A>G, p.Thr241Ala (NM_001128617.3, NM_001286612.2, NM_031922.5); short protein forms T241A.
Identifiers: ClinVar variation 1494592 (VCV001494592.6), dbSNP rs761938645, ClinGen allele CA4024382.
Genomic context (GRCh38, chr6:138,944,530, plus strand): 5'-AAAATGCAATACCAATAAAATGTCACACCTGGACAGAAGCAGGATGCATGGTTAAAAGAG[T>C]ACTGGTTGGTGGAGTATCTGCAAAACTGACCCAGTTTTCTTGAGGTGGAGGTGGGGAATG-3'
Protein context (NP_001273540.1, residues 231-251): VSFADTPPTS[Thr241Ala]LLTMHPASVQ